The following is an entry in ClinVar:

NM_133642.5(LARGE1):c.1677G>A (p.Met559Ile)

Gene: LARGE1 (LARGE xylosyl- and glucuronyltransferase 1; minus strand). Cytogenetic location: 22q12.3.
Variant type: single nucleotide variant.
Coding change: c.1677G>A on transcript NM_133642.5 (MANE Select); coding-DNA position 1677, G replaced by A.
Protein change: p.Met559Ile; replaces methionine 559 with isoleucine.
Molecular consequence: missense variant.
Genome position (GRCh38, 1-based): chr22:33,304,282, C>T on the plus strand (G>A on the coding strand, the complement: LARGE1 is on the minus strand). VCF-style: chr22-33304282-C-T. GRCh37 (hg19) VCF-style: chr22-33700268-C-T.
Other names: c.1677G>A (NM_004737.6); c.1677G>A, p.Met559Ile (NM_001362949.2, NM_001362951.2, NM_001362953.2 and 6 more transcripts); c.1521G>A, p.Met507Ile (NM_001378629.1); c.1074G>A, p.Met358Ile (NM_001378630.1); c.918G>A, p.Met306Ile (NM_001378631.1); short protein forms M306I, M358I, M507I, M559I.
Identifiers: ClinVar variation 1016196 (VCV001016196.10), dbSNP rs376455063, ClinGen allele CA10202684.

ClinVar aggregate classification (germline): Uncertain significance. Review status: criteria provided, multiple submitters, no conflicts (2 of 4 stars). 2 submissions from 2 submitters: Uncertain significance (2). Last evaluated 2024-10-10.

Conditions:
Muscular dystrophy-dystroglycanopathy type B6 (MDDGB6). Also called: MUSCULAR DYSTROPHY-DYSTROGLYCANOPATHY (CONGENITAL WITH IMPAIRED INTELLECTUAL DEVELOPMENT), TYPE B, 6; MUSCULAR DYSTROPHY, CONGENITAL, LARGE-RELATED; MUSCULAR DYSTROPHY, CONGENITAL, TYPE 1D. Identifiers: MedGen C1837229, MONDO:0012138, OMIM 608840.

Allele frequency attached by ClinVar (database versions not stated): ExAC 0.00001; gnomAD exomes 0.00001; TOPMed 0.00002; gnomAD 0.00003; ESP Exome Variant Server 0.00008.
gnomAD v4.1: 22 of 1,614,130 alleles (0.0014%); highest among the groups gnomAD compares: African/African-American, 0.0067%; no homozygotes.

Submissions (2):

Revvity Omics, Revvity
Classification: Uncertain significance. Last evaluated: 2024-10-10. Review status: criteria provided, single submitter. Criteria: ACMG Guidelines, 2015. Collection method: clinical testing. Allele origin: germline.

Labcorp Genetics (formerly Invitae), Labcorp
Classification: Uncertain significance for Muscular dystrophy-dystroglycanopathy type B6. Last evaluated: 2023-10-03. Review status: criteria provided, single submitter. Criteria: Invitae Variant Classification Sherloc (09022015). Collection method: clinical testing. Allele origin: germline.
Comment: This sequence change replaces methionine, which is neutral and non-polar, with isoleucine, which is neutral and non-polar, at codon 559 of the LARGE1 protein (p.Met559Ile). This variant is present in population databases (rs376455063, gnomAD 0.01%). This variant has not been reported in the literature in individuals affected with LARGE1-related conditions. ClinVar contains an entry for this variant (Variation ID: 1016196). Advanced modeling of protein sequence and biophysical properties (such as structural, functional, and spatial information, amino acid conservation, physicochemical variation, residue mobility, and thermodynamic stability) performed at Invitae indicates that this missense variant is not expected to disrupt LARGE1 protein function. In summary, the available evidence is currently insufficient to determine the role of this variant in disease. Therefore, it has been classified as a Variant of Uncertain Significance.